The following is an entry in ClinVar:

NM_002471.4(MYH6):c.2029C>T (p.Pro677Ser)

Gene: MYH6 (myosin heavy chain 6; minus strand). Cytogenetic location: 14q11.2.
Variant type: single nucleotide variant.
Coding change: c.2029C>T on transcript NM_002471.4 (MANE Select); coding-DNA position 2029, C replaced by T.
Protein change: p.Pro677Ser; replaces proline 677 with serine.
Molecular consequence: missense variant.
Genome position (GRCh38, 1-based): chr14:23,397,191, G>A on the plus strand (C>T on the coding strand, the complement: MYH6 is on the minus strand). VCF-style: chr14-23397191-G-A. GRCh37 (hg19) VCF-style: chr14-23866400-G-A.
Other names: short protein forms P677S.
Identifiers: ClinVar variation 1361206 (VCV001361206.8), dbSNP rs2138604951, ClinGen allele CA389019259.

ClinVar aggregate classification (germline): Uncertain significance (1 of 4 stars; one submission).

Conditions:
Hypertrophic cardiomyopathy 14. Identifiers: MedGen C2750467, MONDO:0013197, OMIM 613251.

Submission:

Labcorp Genetics (formerly Invitae), Labcorp
Classification: Uncertain significance for Hypertrophic cardiomyopathy 14. Last evaluated: 2020-12-30. Review status: criteria provided, single submitter. Criteria: Invitae Variant Classification Sherloc (09022015). Collection method: clinical testing. Allele origin: germline.
Comment: Algorithms developed to predict the effect of missense changes on protein structure and function are either unavailable or do not agree on the potential impact of this missense change (SIFT: "Deleterious"; PolyPhen-2: "Probably Damaging"; Align-GVGD: "Class C0"). This variant has not been reported in the literature in individuals with MYH6-related conditions. This variant is not present in population databases (ExAC no frequency). This sequence change replaces proline with serine at codon 677 of the MYH6 protein (p.Pro677Ser). The proline residue is weakly conserved and there is a moderate physicochemical difference between proline and serine. In summary, the available evidence is currently insufficient to determine the role of this variant in disease. Therefore, it has been classified as a Variant of Uncertain Significance.